The following is an entry in ClinVar:

NM_012309.5(SHANK2):c.4789C>G (p.Leu1597Val)

Gene: SHANK2 (SH3 and multiple ankyrin repeat domains 2; minus strand). Cytogenetic location: 11q13.3.
Variant type: single nucleotide variant.
Coding change: c.4789C>G on transcript NM_012309.5 (MANE Select); coding-DNA position 4789, C replaced by G.
Protein change: p.Leu1597Val; replaces leucine 1597 with valine.
Molecular consequence: missense variant.
Genome position (GRCh38, 1-based): chr11:70,485,504, G>C on the plus strand (C>G on the coding strand, the complement: SHANK2 is on the minus strand). VCF-style: chr11-70485504-G-C. GRCh37 (hg19) VCF-style: chr11-70331609-G-C.
Other names: c.3652C>G, p.Leu1218Val (NM_001379226.1); c.4909C>G, p.Leu1637Val (NM_001441024.1); c.4738C>G, p.Leu1580Val (NM_001441025.1, NM_001441026.1, NM_001441027.1 and 8 more transcripts); c.4711C>G, p.Leu1571Val (NM_001441035.1, NM_001441036.1, NM_001441037.1); c.4666C>G, p.Leu1556Val (NM_001441038.1); c.3622C>G, p.Leu1208Val (NM_001441040.1); c.3574C>G, p.Leu1192Val (NM_001441041.1); c.3016C>G, p.Leu1006Val (NM_001441042.1); and 6 more; short protein forms L1002V, L1006V, L1009V, L1192V, L1208V, L1218V, L1556V, L1571V.
Identifiers: ClinVar variation 5041415 (VCV005041415.1).
Genomic context (GRCh38, chr11:70,485,504, plus strand): 5'-AGAGAATCGGGCTTTTGATCTCTGTGACGTCGCCCCACAACTTGGAGGTCCTTGGCTGGA[G>C]AACCTTGGCCATCCCAGGCTGGGCACTGCCCGGCGGGGGCGGGGGAGCGGGCGGGGGGAT-3'
Protein context (NP_036441.2, residues 1587-1607): GSAQPGMAKV[Leu1597Val]QPRTSKLWGD

ClinVar aggregate classification (germline): Uncertain significance (1 of 4 stars; one submission).

gnomAD v4.1: 5 of 1,613,676 alleles (0.00031%); highest among the groups gnomAD compares: Admixed American, 0.0033%; no homozygotes.

Submission:

CeGaT Center for Human Genetics Tuebingen
Classification: Uncertain significance. Last evaluated: 2026-09-01. Review status: criteria provided, single submitter. Criteria: CeGaT Center For Human Genetics Tuebingen Variant Classification Criteria Version 2. Collection method: clinical testing. Allele origin: germline. Affected: yes. Observed: 1 variant allele.
Comment: SHANK2: PM2:Supporting, BP4